The following is an entry in ClinVar:

NM_032888.4(COL27A1):c.2795C>A (p.Ala932Asp)

Gene: COL27A1 (collagen type XXVII alpha 1 chain; plus strand). Cytogenetic location: 9q32.
Variant type: single nucleotide variant.
Coding change: c.2795C>A on transcript NM_032888.4 (MANE Select); coding-DNA position 2795, C replaced by A.
Protein change: p.Ala932Asp; replaces alanine 932 with aspartic acid.
Molecular consequence: missense variant.
Genome position (GRCh38, 1-based): chr9:114,240,447, C>A. VCF-style: chr9-114240447-C-A. GRCh37 (hg19) VCF-style: chr9-117002727-C-A.
Other names: short protein forms A932D.
Identifiers: ClinVar variation 1311691 (VCV001311691.2), dbSNP rs199562710, ClinGen allele CA5202079.
Genomic context (GRCh38, chr9:114,240,447, plus strand): 5'-ATGGAGGTACCGCCTCTGAGACTCCCTTTTTGTTCCCTTCTCCCCAGGGTAAGCCTGGAG[C>A]CCGAGGCCTGCCGGGACCCCGTGGGCAGCTGGGGCCCGAGGTGAGACTGTCTGGCCCCCT-3'
Protein context (NP_116277.2, residues 922-942): GPEGMKGKPG[Ala932Asp]RGLPGPRGQL

ClinVar aggregate classification (germline): Uncertain significance (1 of 4 stars; one submission).

Allele frequency attached by ClinVar (database versions not stated): ExAC 0.00003; gnomAD 0.00004; TOPMed 0.00005; gnomAD exomes 0.00006 and 0.00013.
gnomAD v4.1: 196 of 1,613,122 alleles (0.012%); highest among the groups gnomAD compares: Admixed American, 0.017%; no homozygotes.

Submission:

GeneDx
Classification: Uncertain significance. Last evaluated: 2020-02-05. Review status: criteria provided, single submitter. Criteria: GeneDx Variant Classification Process June 2021. Collection method: clinical testing. Allele origin: germline. Affected: yes.
Comment: In silico analysis supports that this missense variant does not alter protein structure/function; Has not been previously published as pathogenic or benign to our knowledge